The following is an entry in ClinVar:

NM_017636.4(TRPM4):c.1759T>A (p.Ser587Thr)

Gene: TRPM4 (transient receptor potential cation channel subfamily M member 4; plus strand). Cytogenetic location: 19q13.33.
Variant type: single nucleotide variant.
Coding change: c.1759T>A on transcript NM_017636.4 (MANE Select); coding-DNA position 1759, T replaced by A.
Protein change: p.Ser587Thr; replaces serine 587 with threonine.
Molecular consequence: missense variant.
Genome position (GRCh38, 1-based): chr19:49,188,656, T>A. VCF-style: chr19-49188656-T-A. GRCh37 (hg19) VCF-style: chr19-49691913-T-A.
Other names: c.1759T>A, p.Ser587Thr (NM_001195227.2); c.1414T>A, p.Ser472Thr (NM_001321281.2); c.151T>A, p.Ser51Thr (NM_001321282.2); c.1237T>A, p.Ser413Thr (NM_001321283.2); c.697T>A, p.Ser233Thr (NM_001321285.2); short protein forms S233T, S413T, S472T, S51T, S587T.
Identifiers: ClinVar variation 1779537 (VCV001779537.8), dbSNP rs373265828, ClinGen allele CA9569315.

ClinVar aggregate classification (germline): Uncertain significance. Review status: criteria provided, multiple submitters, no conflicts (2 of 4 stars). 2 submissions from 2 submitters: Uncertain significance (2). Last evaluated 2025-03-01.

Conditions:
Cardiovascular phenotype. Identifiers: MedGen CN230736.
Progressive familial heart block type IB (PFHB1B). Identifiers: Orphanet 871, MedGen C1970298, MONDO:0011474, OMIM 604559.

Allele frequency attached by ClinVar (database versions not stated): gnomAD exomes below 0.00001; ExAC 0.00001; ESP Exome Variant Server 0.00008.
gnomAD v4.1: 2 of 1,614,174 alleles (0.00012%); highest among the groups gnomAD compares: African/African-American, 0.0027%; no homozygotes.

Submissions (2):

Ambry Genetics
Classification: Uncertain significance for Cardiovascular phenotype. Last evaluated: 2025-03-01. Review status: criteria provided, single submitter. Criteria: Ambry Variant Classification Scheme 2023. Collection method: clinical testing. Allele origin: germline.

Labcorp Genetics (formerly Invitae), Labcorp
Classification: Uncertain significance for Progressive familial heart block type IB. Last evaluated: 2024-04-13. Review status: criteria provided, single submitter. Criteria: Invitae Variant Classification Sherloc (09022015). Collection method: clinical testing. Allele origin: germline.
Comment: This sequence change replaces serine, which is neutral and polar, with threonine, which is neutral and polar, at codon 587 of the TRPM4 protein (p.Ser587Thr). This variant is present in population databases (rs373265828, gnomAD 0.01%). This variant has not been reported in the literature in individuals affected with TRPM4-related conditions. ClinVar contains an entry for this variant (Variation ID: 1779537). An algorithm developed to predict the effect of missense changes on protein structure and function (PolyPhen-2) suggests that this variant is likely to be tolerated. In summary, the available evidence is currently insufficient to determine the role of this variant in disease. Therefore, it has been classified as a Variant of Uncertain Significance.